The following is an entry in ClinVar:

ClinVar aggregate classification (germline): Uncertain significance (1 of 4 stars; one submission).

Conditions:
Dyskeratosis congenita. Identifiers: Orphanet 1775, MedGen C0265965, MONDO:0015780.

Submission:

Labcorp Genetics (formerly Invitae), Labcorp
Classification: Uncertain significance for Dyskeratosis congenita. Last evaluated: 2022-06-27. Review status: criteria provided, single submitter. Criteria: Invitae Variant Classification Sherloc (09022015). Collection method: clinical testing. Allele origin: germline.
Comment: This sequence change falls in intron 4 of the DKC1 gene. It does not directly change the encoded amino acid sequence of the DKC1 protein. It affects a nucleotide within the consensus splice site. This variant is not present in population databases (gnomAD no frequency). This variant has not been reported in the literature in individuals affected with DKC1-related conditions. ClinVar contains an entry for this variant (Variation ID: 953490). Variants that disrupt the consensus splice site are a relatively common cause of aberrant splicing (PMID: 17576681, 9536098). Algorithms developed to predict the effect of sequence changes on RNA splicing suggest that this variant is not likely to affect RNA splicing. In summary, the available evidence is currently insufficient to determine the role of this variant in disease. Therefore, it has been classified as a Variant of Uncertain Significance.

Literature cited by the submitters: PubMed 17576681; PubMed 9536098.

NM_001363.5(DKC1):c.263+6T>C

Gene: DKC1 (dyskerin pseudouridine synthase 1; plus strand). Cytogenetic location: Xq28.
Variant type: single nucleotide variant.
Coding change: c.263+6T>C on transcript NM_001363.5 (MANE Select); 6 bases into the intron after coding-DNA position 263, T replaced by C.
Molecular consequence: intron variant.
Genome position (GRCh38, 1-based): chrX:154,766,004, T>C. VCF-style: chrX-154766004-T-C. GRCh37 (hg19) VCF-style: chrX-153994279-T-C.
Other names: c.263+6T>C (NM_001288747.2, NM_001142463.3).
Identifiers: ClinVar variation 953490 (VCV000953490.6), dbSNP rs2071741038, ClinGen allele CA1139667967.
Genomic context (GRCh38, chrX:154,766,004, plus strand): 5'-CACCTCTTGCATGTGGTTCAAATCCTCTGAAGAGAGAGATTGGGGACTATATCAGGTAAG[T>C]GTTGGGAGGAGGCACTGTGCAAACTTACTTTCTTTTGAAAATGCTTTCACATCAGCTATT-3'